The following is an entry in ClinVar:

NM_138395.4(MARS2):c.753C>T (p.Pro251=)

Gene: MARS2 (methionyl-tRNA synthetase 2, mitochondrial; plus strand). Cytogenetic location: 2q33.1.
Variant type: single nucleotide variant.
Coding change: c.753C>T on transcript NM_138395.4 (MANE Select); coding-DNA position 753, C replaced by T.
Protein change: p.Pro251=; no amino-acid change (proline 251 retained).
Molecular consequence: synonymous variant.
Genome position (GRCh38, 1-based): chr2:197,706,158, C>T. VCF-style: chr2-197706158-C-T. GRCh37 (hg19) VCF-style: chr2-198570882-C-T.
Identifiers: ClinVar variation 3618175 (VCV003618175.2).

ClinVar aggregate classification (germline): Uncertain significance (1 of 4 stars; one submission).

Submission:

Labcorp Genetics (formerly Invitae), Labcorp
Classification: Uncertain significance. Last evaluated: 2024-11-12. Review status: criteria provided, single submitter. Criteria: Invitae Variant Classification Sherloc (09022015). Collection method: clinical testing. Allele origin: germline.
Comment: This sequence change affects codon 251 of the MARS2 mRNA. It is a 'silent' change, meaning that it does not change the encoded amino acid sequence of the MARS2 protein. This variant is present in population databases (no rsID available, gnomAD 0.03%). This variant has not been reported in the literature in individuals affected with MARS2-related conditions. In summary, the available evidence is currently insufficient to determine the role of this variant in disease. Therefore, it has been classified as a Variant of Uncertain Significance.